The following is an entry in ClinVar:

NM_182961.4(SYNE1):c.2247G>A (p.Leu749=)

Gene: SYNE1 (spectrin repeat containing nuclear envelope protein 1; minus strand). Cytogenetic location: 6q25.2.
Variant type: single nucleotide variant.
Coding change: c.2247G>A on transcript NM_182961.4 (MANE Select); coding-DNA position 2247, G replaced by A.
Protein change: p.Leu749=; no amino-acid change (leucine 749 retained).
Molecular consequence: synonymous variant.
Genome position (GRCh38, 1-based): chr6:152,462,741, C>T on the plus strand (G>A on the coding strand, the complement: SYNE1 is on the minus strand). VCF-style: chr6-152462741-C-T. GRCh37 (hg19) VCF-style: chr6-152783876-C-T.
Other names: c.2268G>A, p.Leu756= (NM_033071.5).
Identifiers: ClinVar variation 514825 (VCV000514825.22), dbSNP rs201537074, ClinGen allele CA4059193.

ClinVar aggregate classification (germline): Conflicting classifications of pathogenicity. Review status: criteria provided, conflicting classifications (1 of 4 stars). 6 submissions from 5 submitters: Uncertain significance (1); Likely benign (5). Last evaluated 2026-04-01.

Conditions:
Autosomal recessive ataxia, Beauce type. Also called: SYNE1-Related Autosomal Recessive Cerebellar Ataxia; SYNE1 Deficiency; Spinocerebellar ataxia, autosomal recessive 8; ATAXIA, RECESSIVE, OF BEAUCE. Identifiers: Orphanet 88644, MedGen C1853116, MONDO:0012549, OMIM 610743.
Emery-Dreifuss muscular dystrophy 4, autosomal dominant (EDMD4). Also called: EMERY-DREIFUSS MUSCULAR DYSTROPHY 4 WITH VARIABLE FEATURES. Identifiers: Orphanet 261, MedGen C2751807, MONDO:0013071, OMIM 612998.

Allele frequency attached by ClinVar (database versions not stated): ExAC 0.00005; gnomAD exomes 0.00005 and 0.00007; ESP Exome Variant Server 0.00008; gnomAD 0.00008 and 0.00009; TOPMed 0.00009.
gnomAD v4.1: 119 of 1,613,898 alleles (0.0074%); highest among the groups gnomAD compares: Non-Finnish European, 0.0091%; no homozygotes.

Submissions (6):

CeGaT Center for Human Genetics Tuebingen
Classification: Likely benign. Last evaluated: 2026-04-01. Review status: criteria provided, single submitter. Criteria: CeGaT Center For Human Genetics Tuebingen Variant Classification Criteria Version 2. Collection method: clinical testing. Allele origin: germline. Affected: yes. Observed: 2 variant alleles.
Comment: SYNE1: BP4, BP7

Labcorp Genetics (formerly Invitae), Labcorp
Classification: Likely benign for Emery-Dreifuss muscular dystrophy 4, autosomal dominant; Autosomal recessive ataxia, Beauce type. Last evaluated: 2025-10-02. Review status: criteria provided, single submitter. Criteria: Invitae Variant Classification Sherloc (09022015). Collection method: clinical testing. Allele origin: germline.

Blueprint Genetics
Classification: Likely benign. Last evaluated: 2024-10-15. Review status: criteria provided, single submitter. Criteria: ACMG Guidelines, 2015. Collection method: clinical testing. Allele origin: germline.

GeneDx
Classification: Likely benign. Last evaluated: 2018-01-23. Review status: criteria provided, single submitter. Criteria: GeneDx Variant Classification (06012015). Collection method: clinical testing. Allele origin: germline. Affected: yes.
Comment: This variant is considered likely benign or benign based on one or more of the following criteria: it is a conservative change, it occurs at a poorly conserved position in the protein, it is predicted to be benign by multiple in silico algorithms, and/or has population frequency not consistent with disease.

Illumina Laboratory Services, Illumina
Classification: Likely benign for Emery-Dreifuss muscular dystrophy 4, autosomal dominant. Last evaluated: 2018-01-12. Review status: criteria provided, single submitter. Criteria: ICSL Variant Classification Criteria 13 December 2019. Collection method: clinical testing. Allele origin: germline.
Comment: This variant was observed in the ICSL laboratory as part of a predisposition screen in an ostensibly healthy population. It had not been previously curated by ICSL or reported in the Human Gene Mutation Database (HGMD: prior to June 1st, 2018), and was therefore a candidate for classification through an automated scoring system. Utilizing variant allele frequency, disease prevalence and penetrance estimates, and inheritance mode, an automated score was calculated to assess if this variant is too frequent to cause the disease. Based on the score and internal cut-off values, a variant classified as likely benign is not then subjected to further curation. The score for this variant resulted in a classification of likely benign for this disease.

Illumina Laboratory Services, Illumina
Classification: Uncertain significance for Autosomal recessive ataxia, Beauce type. Last evaluated: 2018-01-12. Review status: criteria provided, single submitter. Criteria: ICSL Variant Classification Criteria 13 December 2019. Collection method: clinical testing. Allele origin: germline.